The following is an entry in ClinVar:

ClinVar aggregate classification (germline): Uncertain significance. Review status: criteria provided, multiple submitters, no conflicts (2 of 4 stars). 3 submissions from 3 submitters: Uncertain significance (2). 1 of the submissions does not count toward it. Last evaluated 2023-02-15.

Conditions:
Inborn genetic diseases. Identifiers: MedGen C0950123, MeSH D030342.

Allele frequency attached by ClinVar (database versions not stated): gnomAD exomes below 0.00001; ExAC 0.00001; gnomAD 0.00001; TOPMed 0.00001.
gnomAD v4.1: 4 of 1,613,948 alleles (0.00025%); highest among the groups gnomAD compares: East Asian, 0.0067%; no homozygotes.

Submissions (3):

Ambry Genetics
Classification: Uncertain significance for Inborn genetic diseases. Last evaluated: 2023-02-15. Review status: criteria provided, single submitter. Criteria: Ambry Variant Classification Scheme 2023. Collection method: clinical testing. Allele origin: germline.

Labcorp Genetics (formerly Invitae), Labcorp
Classification: Uncertain significance. Last evaluated: 2021-09-01. Review status: criteria provided, single submitter. Criteria: Invitae Variant Classification Sherloc (09022015). Collection method: clinical testing. Allele origin: germline.
Comment: This sequence change replaces isoleucine with valine at codon 442 of the SLC25A12 protein (p.Ile442Val). The isoleucine residue is moderately conserved and there is a small physicochemical difference between isoleucine and valine. This variant is present in population databases (rs776760815, ExAC 0.01%). This variant has not been reported in the literature in individuals affected with SLC25A12-related conditions. ClinVar contains an entry for this variant (Variation ID: 559285). Algorithms developed to predict the effect of missense changes on protein structure and function (SIFT, PolyPhen-2, Align-GVGD) all suggest that this variant is likely to be tolerated. In summary, the available evidence is currently insufficient to determine the role of this variant in disease. Therefore, it has been classified as a Variant of Uncertain Significance.

Mayo Clinic Laboratories, Mayo Clinic
Classification: Uncertain significance. Last evaluated: 2017-12-28. Review status: no assertion criteria provided. Collection method: clinical testing. Allele origin: unknown. Not counted in ClinVar's aggregate classification.

NM_003705.5(SLC25A12):c.1324A>G (p.Ile442Val)

Gene: SLC25A12 (solute carrier family 25 member 12; minus strand). Cytogenetic location: 2q31.1.
Variant type: single nucleotide variant.
Coding change: c.1324A>G on transcript NM_003705.5 (MANE Select); coding-DNA position 1324, A replaced by G.
Protein change: p.Ile442Val; replaces isoleucine 442 with valine.
Molecular consequence: missense variant. On other transcripts: non-coding transcript variant (1).
Genome position (GRCh38, 1-based): chr2:171,793,749, T>C on the plus strand (A>G on the coding strand, the complement: SLC25A12 is on the minus strand). VCF-style: chr2-171793749-T-C. GRCh37 (hg19) VCF-style: chr2-172650259-T-C.
Other names: c.1324A>G (NM_003705.3); short protein forms I442V.
Identifiers: ClinVar variation 559285 (VCV000559285.11), dbSNP rs776760815, ClinGen allele CA1966135.